The following is an entry in ClinVar:

NC_000006.11:g.(?_35773448)_(36953949_?)del

Genes: BRPF3 (bromodomain and PHD finger containing 3; plus strand), BNIP5 (BCL2 interacting protein 5; minus strand), C6orf89 (chromosome 6 open reading frame 89; plus strand), CDKN1A (cyclin dependent kinase inhibitor 1A; plus strand), CPNE5 (copine 5; minus strand) and 15 more. Cytogenetic location: 6p21.31-21.2.
Variant type: Deletion.
Identifiers: ClinVar variation 3246250 (VCV003246250.1).

ClinVar aggregate classification (germline): Pathogenic (1 of 4 stars; one submission).

Submission:

Labcorp Genetics (formerly Invitae), Labcorp
Classification: Pathogenic. Last evaluated: 2023-07-12. Review status: criteria provided, single submitter. Criteria: Invitae Variant Classification Sherloc (09022015). Collection method: clinical testing. Allele origin: unknown.
Comment: For these reasons, this variant has been classified as Pathogenic. This variant has not been reported in the literature in individuals affected with LHFPL5-related conditions. A gross deletion of the genomic region encompassing the full coding sequence of the LHFPL5 gene has been identified. Loss-of-function variants in LHFPL5 are known to be pathogenic (PMID: 15905332, 16459341, 21816241). The boundaries of this event are unknown as they extend beyond the assayed region for this gene and therefore may encompass additional genes.

Literature cited by the submitters: PubMed 15905332; PubMed 16459341; PubMed 21816241.